The following is an entry in ClinVar:

NM_005245.4(FAT1):c.3932C>T (p.Ser1311Phe)

Gene: FAT1 (FAT atypical cadherin 1; minus strand). Cytogenetic location: 4q35.2.
Variant type: single nucleotide variant.
Coding change: c.3932C>T on transcript NM_005245.4 (MANE Select); coding-DNA position 3932, C replaced by T.
Protein change: p.Ser1311Phe; replaces serine 1311 with phenylalanine.
Molecular consequence: missense variant.
Genome position (GRCh38, 1-based): chr4:186,636,625, G>A on the plus strand (C>T on the coding strand, the complement: FAT1 is on the minus strand). VCF-style: chr4-186636625-G-A. GRCh37 (hg19) VCF-style: chr4-187557779-G-A.
Other names: short protein forms S1311F.
Identifiers: ClinVar variation 4023071 (VCV004023071.2).

ClinVar aggregate classification (germline): Uncertain significance. Review status: criteria provided, multiple submitters, no conflicts (2 of 4 stars). 2 submissions from 2 submitters: Uncertain significance (2). Last evaluated 2025-10-17.

Conditions:
Inborn genetic diseases. Identifiers: MedGen C0950123, MeSH D030342.

gnomAD v4.1: 34 of 1,613,594 alleles (0.0021%); highest among the groups gnomAD compares: Admixed American, 0.02%; no homozygotes.

Submissions (2):

Labcorp Genetics (formerly Invitae), Labcorp
Classification: Uncertain significance. Last evaluated: 2025-10-17. Review status: criteria provided, single submitter. Criteria: Invitae Variant Classification Sherloc (09022015). Collection method: clinical testing. Allele origin: germline.
Comment: This sequence change replaces serine, which is neutral and polar, with phenylalanine, which is neutral and non-polar, at codon 1311 of the FAT1 protein (p.Ser1311Phe). This variant is present in population databases (rs762291797, gnomAD 0.002%). This variant has not been reported in the literature in individuals affected with FAT1-related conditions. ClinVar contains an entry for this variant (Variation ID: 4023071). An algorithm developed to predict the effect of missense changes on protein structure and function (PolyPhen-2) suggests that this variant is likely to be disruptive. In summary, the available evidence is currently insufficient to determine the role of this variant in disease. Therefore, it has been classified as a Variant of Uncertain Significance.

Ambry Genetics
Classification: Uncertain significance for Inborn genetic diseases. Last evaluated: 2025-04-13. Review status: criteria provided, single submitter. Criteria: Ambry Variant Classification Scheme 2023. Collection method: clinical testing. Allele origin: germline.